The following is an entry in ClinVar:

NM_004725.4(BUB3):c.713A>G (p.Asn238Ser)

Gene: BUB3 (BUB3 mitotic checkpoint protein; plus strand). Cytogenetic location: 10q26.13.
Variant type: single nucleotide variant.
Coding change: c.713A>G on transcript NM_004725.4 (MANE Select); coding-DNA position 713, A replaced by G.
Protein change: p.Asn238Ser; replaces asparagine 238 with serine.
Molecular consequence: missense variant.
Genome position (GRCh38, 1-based): chr10:123,162,372, A>G. VCF-style: chr10-123162372-A-G. GRCh37 (hg19) VCF-style: chr10-124921888-A-G.
Other names: c.713A>G, p.Asn238Ser (NM_001007793.3); short protein forms N238S.
Identifiers: ClinVar variation 1757336 (VCV001757336.2), dbSNP rs1844436492, ClinGen allele CA378626733.

ClinVar aggregate classification (germline): Uncertain significance (1 of 4 stars; one submission).

Allele frequency attached by ClinVar (database versions not stated): gnomAD exomes below 0.00001; TOPMed below 0.00001.

Submission:

Ambry Genetics
Classification: Uncertain significance. Last evaluated: 2022-10-05. Review status: criteria provided, single submitter. Criteria: Ambry Variant Classification Scheme 2023. Collection method: clinical testing. Allele origin: germline.
Comment: The p.N238S variant (also known as c.713A>G), located in coding exon 5 of the BUB3 gene, results from an A to G substitution at nucleotide position 713. The asparagine at codon 238 is replaced by serine, an amino acid with highly similar properties. This amino acid position is conserved. In addition, this alteration is predicted to be tolerated by in silico analysis. Since supporting evidence is limited at this time, the clinical significance of this alteration remains unclear.